The following is an entry in ClinVar:

ClinVar aggregate classification (germline): Uncertain significance (1 of 4 stars; one submission).

Conditions:
Hereditary cancer-predisposing syndrome. Also called: Neoplastic Syndromes, Hereditary; Tumor predisposition; Hereditary Cancer Syndrome; Hereditary neoplastic syndrome. Identifiers: Orphanet 140162, MedGen C0027672, MeSH D009386, MONDO:0015356.

Submission:

Ambry Genetics
Classification: Uncertain significance for Hereditary cancer-predisposing syndrome. Last evaluated: 2025-12-20. Review status: criteria provided, single submitter. Criteria: Ambry Variant Classification Scheme 2023. Collection method: clinical testing. Allele origin: germline.
Comment: The p.Q395K variant (also known as c.1183C>A), located in coding exon 12 of the RB1 gene, results from a C to A substitution at nucleotide position 1183. The glutamine at codon 395 is replaced by lysine, an amino acid with similar properties. This amino acid position is conserved. In addition, this alteration is predicted to be tolerated by in silico analysis. Based on the available evidence, the clinical significance of this variant remains unclear.

NM_000321.3(RB1):c.1183C>A (p.Gln395Lys)

Gene: RB1 (RB transcriptional corepressor 1; plus strand). Cytogenetic location: 13q14.2.
Variant type: single nucleotide variant.
Coding change: c.1183C>A on transcript NM_000321.3 (MANE Select); coding-DNA position 1183, C replaced by A.
Protein change: p.Gln395Lys; replaces glutamine 395 with lysine.
Molecular consequence: missense variant.
Genome position (GRCh38, 1-based): chr13:48,373,460, C>A. VCF-style: chr13-48373460-C-A. GRCh37 (hg19) VCF-style: chr13-48947596-C-A.
Other names: c.1183C>A, p.Gln395Lys (NM_001407165.1, NM_001407166.1); short protein forms Q395K.
Identifiers: ClinVar variation 4842598 (VCV004842598.1).
Genomic context (GRCh38, chr13:48,373,460, plus strand): 5'-TCTAGGACTGTTATGAACACTATCCAACAATTAATGATGATTTTAAATTCAGCAAGTGAT[C>A]AACCTTCAGAAAATCTGATTTCCTATTTTAACGTAAGCCATATATGAAACATTATTTATT-3'
Protein context (NP_000312.2, residues 385-405): LMMILNSASD[Gln395Lys]PSENLISYFN